The following is an entry in ClinVar:

NM_017612.5(ZCCHC8):c.835G>T (p.Val279Leu)

Gene: ZCCHC8 (zinc finger CCHC-type containing 8; minus strand). Cytogenetic location: 12q24.31.
Variant type: single nucleotide variant.
Coding change: c.835G>T on transcript NM_017612.5 (MANE Select); coding-DNA position 835, G replaced by T.
Protein change: p.Val279Leu; replaces valine 279 with leucine.
Molecular consequence: missense variant.
Genome position (GRCh38, 1-based): chr12:122,481,985, C>A on the plus strand (G>T on the coding strand, the complement: ZCCHC8 is on the minus strand). VCF-style: chr12-122481985-C-A. GRCh37 (hg19) VCF-style: chr12-122966532-C-A.
Other names: c.604G>T, p.Val202Leu (NM_001350935.2); c.538G>T, p.Val180Leu (NM_001350936.2); c.121G>T, p.Val41Leu (NM_001350937.2, NM_001350938.2); short protein forms V202L, V41L, V180L, V279L.
Identifiers: ClinVar variation 2483359 (VCV002483359.4), dbSNP rs370568988, ClinGen allele CA6846355.

ClinVar aggregate classification (germline): Uncertain significance. Review status: criteria provided, multiple submitters, no conflicts (2 of 4 stars). 2 submissions from 2 submitters: Uncertain significance (2). Last evaluated 2024-02-17.

Allele frequency attached by ClinVar (database versions not stated): ESP Exome Variant Server 0.00008.

Submissions (2):

Labcorp Genetics (formerly Invitae), Labcorp
Classification: Uncertain significance. Last evaluated: 2024-02-17. Review status: criteria provided, single submitter. Criteria: Invitae Variant Classification Sherloc (09022015). Collection method: clinical testing. Allele origin: germline.
Comment: This sequence change replaces valine, which is neutral and non-polar, with leucine, which is neutral and non-polar, at codon 279 of the ZCCHC8 protein (p.Val279Leu). This variant is present in population databases (rs370568988, gnomAD 0.0009%). This variant has not been reported in the literature in individuals affected with ZCCHC8-related conditions. ClinVar contains an entry for this variant (Variation ID: 2483359). Advanced modeling of protein sequence and biophysical properties (such as structural, functional, and spatial information, amino acid conservation, physicochemical variation, residue mobility, and thermodynamic stability) performed at Invitae indicates that this missense variant is not expected to disrupt ZCCHC8 protein function with a negative predictive value of 80%. In summary, the available evidence is currently insufficient to determine the role of this variant in disease. Therefore, it has been classified as a Variant of Uncertain Significance.

Ambry Genetics
Classification: Uncertain significance. Last evaluated: 2023-02-14. Review status: criteria provided, single submitter. Criteria: Ambry Variant Classification Scheme 2023. Collection method: clinical testing. Allele origin: germline.